The following is an entry in ClinVar:

ClinVar aggregate classification (germline): Uncertain significance (1 of 4 stars; one submission).

gnomAD v4.1: 16 of 1,612,438 alleles (0.00099%); highest among the groups gnomAD compares: Admixed American, 0.0017%; no homozygotes.

Submission:

Labcorp Genetics (formerly Invitae), Labcorp
Classification: Uncertain significance. Last evaluated: 2024-10-07. Review status: criteria provided, single submitter. Criteria: Invitae Variant Classification Sherloc (09022015). Collection method: clinical testing. Allele origin: germline.
Comment: This sequence change affects codon 73 of the TALDO1 mRNA. It is a 'silent' change, meaning that it does not change the encoded amino acid sequence of the TALDO1 protein. The frequency data for this variant in the population databases is considered unreliable, as metrics indicate poor data quality at this position in the gnomAD database. This variant has not been reported in the literature in individuals affected with TALDO1-related conditions. Algorithms developed to predict the effect of sequence changes on RNA splicing suggest that this variant may create or strengthen a splice site. In summary, the available evidence is currently insufficient to determine the role of this variant in disease. Therefore, it has been classified as a Variant of Uncertain Significance.

NM_006755.2(TALDO1):c.219C>T (p.Gly73=)

Gene: TALDO1 (transaldolase 1; plus strand). Cytogenetic location: 11p15.5.
Variant type: single nucleotide variant.
Coding change: c.219C>T on transcript NM_006755.2 (MANE Select); coding-DNA position 219, C replaced by T.
Protein change: p.Gly73=; no amino-acid change (glycine 73 retained).
Molecular consequence: synonymous variant.
Genome position (GRCh38, 1-based): chr11:756,000, C>T. VCF-style: chr11-756000-C-T. GRCh37 (hg19) VCF-style: chr11-756000-C-T.
Identifiers: ClinVar variation 3620763 (VCV003620763.2).
Genomic context (GRCh38, chr11:756,000, plus strand): 5'-ACAGATGCCCGCTTACCAGGAGCTGGTGGAGGAGGCGATTGCCTATGGCCGGAAGCTGGG[C>T]GGGTGAGTGCCTGGACTCGGGAGGGTCCCAGCTAGGCCCTCGTGCTAGTCTAGTTGGCCT-3'
Protein context (NP_006746.1, residues 63-83): EEAIAYGRKL[Gly73=]GSQEDQIKNA